The following is an entry in ClinVar:

ClinVar aggregate classification (germline): Benign/Likely benign. Review status: criteria provided, multiple submitters, no conflicts (2 of 4 stars). 8 submissions from 8 submitters: Benign (4); Likely benign (3). 1 of the submissions does not count toward it. Last evaluated 2025-12-01.

Conditions:
Heterotaxy, visceral, 4, autosomal (HTX4). Identifiers: Orphanet 450, MedGen C3151057, MONDO:0013403, OMIM 613751.

Allele frequency attached by ClinVar (database versions not stated): 1000 Genomes Project 0.00120; 1000 Genomes Project 30x 0.00125; TOPMed 0.00224; gnomAD 0.00289 and 0.00302; ESP Exome Variant Server 0.00292; gnomAD exomes 0.00313 and 0.00395; ExAC 0.00325.
gnomAD v4.1: 6,163 of 1,614,036 alleles (0.38%); highest among the groups gnomAD compares: Non-Finnish European, 0.44%; 17 homozygotes.

Submissions (8):

Labcorp Genetics (formerly Invitae), Labcorp
Classification: Benign for Heterotaxy, visceral, 4, autosomal. Last evaluated: 2025-12-01. Review status: criteria provided, single submitter. Criteria: Invitae Variant Classification Sherloc (09022015). Collection method: clinical testing. Allele origin: germline.

Blueprint Genetics
Classification: Likely benign. Last evaluated: 2024-11-25. Review status: criteria provided, single submitter. Criteria: ACMG Guidelines, 2015. Collection method: clinical testing. Allele origin: germline.

Illumina Laboratory Services, Illumina
Classification: Benign for Heterotaxy, visceral, 4, autosomal. Last evaluated: 2018-01-13. Review status: criteria provided, single submitter. Criteria: ICSL Variant Classification Criteria 13 December 2019. Collection method: clinical testing. Allele origin: germline.
Comment: This variant was observed in the ICSL laboratory as part of a predisposition screen in an ostensibly healthy population. It had not been previously curated by ICSL or reported in the Human Gene Mutation Database (HGMD: prior to June 1st, 2018), and was therefore a candidate for classification through an automated scoring system. Utilizing variant allele frequency, disease prevalence and penetrance estimates, and inheritance mode, an automated score was calculated to assess if this variant is too frequent to cause the disease. Based on the score and internal cut-off values, a variant classified as benign is not then subjected to further curation. The score for this variant resulted in a classification of benign for this disease.

Genome Diagnostics Laboratory, University Medical Center Utrecht
Classification: Benign for Heterotaxy, visceral, 4, autosomal. Last evaluated: 2016-07-28. Review status: criteria provided, single submitter. Criteria: ACGS Guidelines, 2013. Collection method: clinical testing. Allele origin: germline. Affected: yes. Study: VKGL Data-share Consensus.

Clinical Genetics DNA and cytogenetics Diagnostics Lab, Erasmus MC, Erasmus Medical Center
Classification: Likely benign for Heterotaxy, visceral, 4, autosomal. Last evaluated: 2015-09-21. Review status: criteria provided, single submitter. Criteria: ACGS Guidelines, 2013. Collection method: clinical testing. Allele origin: germline. Affected: yes. Study: VKGL Data-share Consensus.

Breakthrough Genomics
Classification: Likely benign. Review status: criteria provided, single submitter. Criteria: ACMG Guidelines, 2015. Collection method: not provided. Allele origin: germline. Inheritance: Unknown mechanism. Affected: yes.

PreventionGenetics, part of Exact Sciences
Classification: Benign. Review status: criteria provided, single submitter. Criteria: ACMG Guidelines, 2015. Collection method: clinical testing. Allele origin: germline.

Joint Genome Diagnostic Labs from Nijmegen and Maastricht, Radboudumc and MUMC+
Classification: Benign. Review status: no assertion criteria provided. Collection method: clinical testing. Allele origin: germline. Affected: yes. Study: VKGL Data-share Consensus. Not counted in ClinVar's aggregate classification.

NM_001106.4(ACVR2B):c.811-12G>A

Gene: ACVR2B (activin A receptor type 2B; plus strand). Cytogenetic location: 3p22.2.
Variant type: single nucleotide variant.
Coding change: c.811-12G>A on transcript NM_001106.4 (MANE Select); 12 bases into the intron before coding-DNA position 811, G replaced by A.
Molecular consequence: intron variant.
Genome position (GRCh38, 1-based): chr3:38,479,666, G>A. VCF-style: chr3-38479666-G-A. GRCh37 (hg19) VCF-style: chr3-38521157-G-A.
Identifiers: ClinVar variation 257469 (VCV000257469.18), dbSNP rs144849143, ClinGen allele CA2318921.